The following is an entry in ClinVar:

NM_001122769.3(LCA5):c.652C>T (p.Arg218Ter)

Gene: LCA5 (lebercilin LCA5; minus strand). Cytogenetic location: 6q14.1.
Variant type: single nucleotide variant.
Coding change: c.652C>T on transcript NM_001122769.3 (MANE Select); coding-DNA position 652, C replaced by T.
Protein change: p.Arg218Ter; replaces arginine 218 with a stop codon.
Molecular consequence: nonsense.
Genome position (GRCh38, 1-based): chr6:79,513,280, G>A on the plus strand (C>T on the coding strand, the complement: LCA5 is on the minus strand). VCF-style: chr6-79513280-G-A. GRCh37 (hg19) VCF-style: chr6-80222997-G-A.
Other names: c.652C>T, p.Arg218Ter (NM_181714.4); short protein forms R218*.
Identifiers: ClinVar variation 1068963 (VCV001068963.10), dbSNP rs1318750068, ClinGen allele CA364628399.

ClinVar aggregate classification (germline): Pathogenic/Likely pathogenic. Review status: criteria provided, multiple submitters, no conflicts (2 of 4 stars). 3 submissions from 3 submitters: Pathogenic (1); Likely pathogenic (2). Last evaluated 2024-03-28.

Conditions:
Leber congenital amaurosis 5 (LCA5). Also called: Amaurosis congenita of Leber, type 5. Identifiers: Orphanet 65, MedGen C1858301, MONDO:0011473, OMIM 604537.

Allele frequency attached by ClinVar (database versions not stated): gnomAD exomes below 0.00001 and 0.00001; gnomAD 0.00002.

Submissions (3):

Fulgent Genetics
Classification: Likely pathogenic for Leber congenital amaurosis 5. Last evaluated: 2024-03-28. Review status: criteria provided, single submitter. Criteria: ACMG Guidelines, 2015. Collection method: clinical testing. Allele origin: germline.

Baylor Genetics
Classification: Likely pathogenic for Leber congenital amaurosis 5. Last evaluated: 2024-03-18. Review status: criteria provided, single submitter. Criteria: ACMG Guidelines, 2015. Collection method: clinical testing. Allele origin: unknown.

Labcorp Genetics (formerly Invitae), Labcorp
Classification: Pathogenic. Last evaluated: 2022-07-26. Review status: criteria provided, single submitter. Criteria: Invitae Variant Classification Sherloc (09022015). Collection method: clinical testing. Allele origin: germline.
Comment: For these reasons, this variant has been classified as Pathogenic. ClinVar contains an entry for this variant (Variation ID: 1068963). This variant has not been reported in the literature in individuals affected with LCA5-related conditions. This variant is present in population databases (no rsID available, gnomAD 0.006%). This sequence change creates a premature translational stop signal (p.Arg218*) in the LCA5 gene. It is expected to result in an absent or disrupted protein product. Loss-of-function variants in LCA5 are known to be pathogenic (PMID: 17546029, 23946133).

Literature cited by the submitters: PubMed 17546029 (cited by Labcorp Genetics (formerly Invitae), Labcorp); PubMed 23946133 (cited by Labcorp Genetics (formerly Invitae), Labcorp).